The following is an entry in ClinVar:

NM_002578.5(PAK3):c.763C>G (p.Leu255Val)

Gene: PAK3 (p21 (RAC1) activated kinase 3; plus strand). Cytogenetic location: Xq23.
Variant type: single nucleotide variant.
Coding change: c.763C>G on transcript NM_002578.5 (MANE Select); coding-DNA position 763, C replaced by G.
Protein change: p.Leu255Val; replaces leucine 255 with valine.
Molecular consequence: missense variant. On other transcripts: non-coding transcript variant (2).
Genome position (GRCh38, 1-based): chrX:111,163,724, C>G. VCF-style: chrX-111163724-C-G. GRCh37 (hg19) VCF-style: chrX-110406952-C-G.
Other names: c.763C>G, p.Leu255Val (NM_001128166.3, NM_001128167.3, NM_001324325.2 and 5 more transcripts); c.871C>G, p.Leu291Val (NM_001128168.3); c.826C>G, p.Leu276Val (NM_001128172.2); c.808C>G, p.Leu270Val (NM_001128173.3, NM_001324327.2, NM_001324328.2 and 2 more transcripts); short protein forms L255V, L270V, L276V, L291V.
Identifiers: ClinVar variation 5017006 (VCV005017006.1).

ClinVar aggregate classification (germline): Uncertain significance (1 of 4 stars; one submission).

Submission:

GeneDx
Classification: Uncertain significance. Last evaluated: 2026-03-18. Review status: criteria provided, single submitter. Criteria: GeneDx Variant Classification Process June 2021. Collection method: clinical testing. Allele origin: germline.
Comment: Not observed at significant frequency in large population cohorts (gnomAD); In silico analysis supports that this missense variant has a deleterious effect on protein structure/function; In silico analysis supports a deleterious effect on splicing; Has not been previously published as pathogenic or benign to our knowledge